The following is an entry in ClinVar:

ClinVar aggregate classification (germline): Uncertain significance. Review status: criteria provided, multiple submitters, no conflicts (2 of 4 stars). 3 submissions from 3 submitters: Uncertain significance (3). Last evaluated 2025-01-01.

Conditions:
Cardiovascular phenotype. Identifiers: MedGen CN230736.
Dilated cardiomyopathy 1W (CMD1W). Identifiers: Orphanet 154, MedGen C1969639, MONDO:0012667, OMIM 611407.

Allele frequency attached by ClinVar (database versions not stated): TOPMed 0.00001.

Submissions (3):

Ambry Genetics
Classification: Uncertain significance for Cardiovascular phenotype. Last evaluated: 2025-01-01. Review status: criteria provided, single submitter. Criteria: Ambry Variant Classification Scheme 2023. Collection method: clinical testing. Allele origin: germline.

Labcorp Genetics (formerly Invitae), Labcorp
Classification: Uncertain significance for Dilated cardiomyopathy 1W. Last evaluated: 2021-12-10. Review status: criteria provided, single submitter. Criteria: Invitae Variant Classification Sherloc (09022015). Collection method: clinical testing. Allele origin: germline.
Comment: This sequence change replaces leucine, which is neutral and non-polar, with glutamine, which is neutral and polar, at codon 818 of the VCL protein (p.Leu818Gln). This variant is not present in population databases (gnomAD no frequency). This variant has not been reported in the literature in individuals affected with VCL-related conditions. ClinVar contains an entry for this variant (Variation ID: 194760). Algorithms developed to predict the effect of missense changes on protein structure and function are either unavailable or do not agree on the potential impact of this missense change (SIFT: "Not Available"; PolyPhen-2: "Probably Damaging"; Align-GVGD: "Not Available"). In summary, the available evidence is currently insufficient to determine the role of this variant in disease. Therefore, it has been classified as a Variant of Uncertain Significance.

Eurofins Ntd Llc (ga)
Classification: Uncertain significance. Last evaluated: 2015-01-09. Review status: criteria provided, single submitter. Criteria: EGL Classification Definitions 2015. Collection method: clinical testing. Allele origin: germline. Observed: 2 variant alleles, 2 heterozygotes.

NM_014000.3(VCL):c.2453T>A (p.Leu818Gln)

Gene: VCL (vinculin; plus strand). Cytogenetic location: 10q22.2.
Variant type: single nucleotide variant.
Coding change: c.2453T>A on transcript NM_014000.3 (MANE Select); coding-DNA position 2453, T replaced by A.
Protein change: p.Leu818Gln; replaces leucine 818 with glutamine.
Molecular consequence: missense variant.
Genome position (GRCh38, 1-based): chr10:74,107,248, T>A. VCF-style: chr10-74107248-T-A. GRCh37 (hg19) VCF-style: chr10-75867006-T-A.
Other names: c.2453T>A, p.Leu818Gln (NM_003373.4); short protein forms L818Q.
Identifiers: ClinVar variation 194760 (VCV000194760.10), dbSNP rs794727192, ClinGen allele CA240906.
Genomic context (GRCh38, chr10:74,107,248, plus strand): 5'-CACTGACCCACCCAGCTGAAAGTGAGGATGTCTTGTGTTTAGGACTGCAAAAGAGCTTCC[T>A]GGACTCAGGATATCGGATCCTGGGAGCTGTGGCCAAGGTCAGAGAAGCCTTCCAACCTCA-3'
Protein context (NP_054706.1, residues 808-828): ISDPGLQKSF[Leu818Gln]DSGYRILGAV